The following is an entry in ClinVar:

NM_001017420.3(ESCO2):c.423G>C (p.Gln141His)

Gene: ESCO2 (establishment of sister chromatid cohesion N-acetyltransferase 2; plus strand). Cytogenetic location: 8p21.1.
Variant type: single nucleotide variant.
Coding change: c.423G>C on transcript NM_001017420.3 (MANE Select); coding-DNA position 423, G replaced by C.
Protein change: p.Gln141His; replaces glutamine 141 with histidine.
Molecular consequence: missense variant.
Genome position (GRCh38, 1-based): chr8:27,776,731, G>C. VCF-style: chr8-27776731-G-C. GRCh37 (hg19) VCF-style: chr8-27634248-G-C.
Other names: short protein forms Q141H.
Identifiers: ClinVar variation 991268 (VCV000991268.3), dbSNP rs147519828, ClinGen allele CA4692052.

ClinVar aggregate classification (germline): Uncertain significance. Review status: criteria provided, single submitter (1 of 4 stars). 2 submissions from 2 submitters: Uncertain significance (1). 1 of the submissions does not count toward it. Last evaluated 2020-08-12.

Conditions:
Roberts-SC phocomelia syndrome (RBS). Also called: Hypomelia hypotrichosis facial hemangioma syndrome; LONG BONE DEFICIENCIES ASSOCIATED WITH CLEFT LIP-PALATE; Pseudothalidomide syndrome; Appelt-Gerken-Lenz syndrome; ESCO2 Spectrum Disorder. Identifiers: Orphanet 3103, MedGen C0392475, MONDO:0100253, OMIM 268300.

Allele frequency attached by ClinVar (database versions not stated): gnomAD 0.00002 and 0.00006; TOPMed 0.00002; ESP Exome Variant Server 0.00008; gnomAD exomes 0.00008 and 0.00019; ExAC 0.00020.
gnomAD v4.1: 134 of 1,613,828 alleles (0.0083%); highest among the groups gnomAD compares: South Asian, 0.13%; 1 homozygote.

Submissions (2):

Labcorp Genetics (formerly Invitae), Labcorp
Classification: Uncertain significance. Last evaluated: 2020-08-12. Review status: criteria provided, single submitter. Criteria: Invitae Variant Classification Sherloc (09022015). Collection method: clinical testing. Allele origin: germline.
Comment: This sequence change replaces glutamine with histidine at codon 141 of the ESCO2 protein (p.Gln141His). The glutamine residue is moderately conserved and there is a small physicochemical difference between glutamine and histidine. This variant is present in population databases (rs147519828, ExAC 0.1%), including at least one homozygous and/or hemizygous individual. This variant has not been reported in the literature in individuals with ESCO2-related disease. Algorithms developed to predict the effect of missense changes on protein structure and function are either unavailable or do not agree on the potential impact of this missense change (SIFT: "Tolerated"; PolyPhen-2: "Possibly Damaging"; Align-GVGD: "Class C0"). In summary, the available evidence is currently insufficient to determine the role of this variant in disease. Therefore, it has been classified as a Variant of Uncertain Significance.

Natera, Inc.
Classification: Benign for Roberts syndrome. Last evaluated: 2020-07-28. Review status: no assertion criteria provided. Collection method: clinical testing. Allele origin: germline. Not counted in ClinVar's aggregate classification.